The following is an entry in ClinVar:

ClinVar aggregate classification (germline): Uncertain significance (1 of 4 stars; one submission).

Conditions:
HK1-related disorder. Also called: HK1-related condition; HK1-related disorders.

Allele frequency attached by ClinVar (database versions not stated): gnomAD exomes below 0.00001.
gnomAD v4.1: 1 of 1,614,124 alleles (0.000062%); highest among the groups gnomAD compares: Non-Finnish European, 0.000085%; no homozygotes.

Submission:

PreventionGenetics, part of Exact Sciences
Classification: Uncertain significance for HK1-related condition. Last evaluated: 2022-11-30. Review status: criteria provided, single submitter. Criteria: ACMG Guidelines, 2015. Collection method: clinical testing. Allele origin: germline.
Comment: The HK1 c.2219+2T>C variant is predicted to disrupt the GT donor site and interfere with normal splicing. This variant is also referred to as c.2216+2T>C with the erythroid-specific isoform, NM_033496. To our knowledge, this variant has not been reported in the literature or in a large population database, indicating this variant is rare. Two other canonical splice variants have been reported in HK1 for autosomal recessive heokinase deficiency; however, both of these variants were significantly further upstream (Koralkova et al. 2016. PubMed ID: 27282571). Although we suspect that this variant may be pathogenic, at this time, the clinical significance of this variant is uncertain due to the absence of conclusive functional and genetic evidence.

NM_000188.3(HK1):c.2219+2T>C

Gene: HK1 (hexokinase 1; plus strand). Cytogenetic location: 10q22.1.
Variant type: single nucleotide variant.
Coding change: c.2219+2T>C on transcript NM_000188.3 (MANE Select); the canonical splice donor site of the intron after coding-DNA position 2219, T replaced by C.
Molecular consequence: splice donor variant.
Genome position (GRCh38, 1-based): chr10:69,392,310, T>C. VCF-style: chr10-69392310-T-C. GRCh37 (hg19) VCF-style: chr10-71152066-T-C.
Other names: c.2183+2T>C (NM_033500.2); c.2324+2T>C (NM_001322365.2); c.2231+2T>C (NM_033498.3, NM_033497.3, NM_001322364.2 and 1 more transcripts); c.2216+2T>C (NM_033496.3); c.2135+2T>C (NM_001322366.1); c.2123+2T>C (NM_001322367.1).
Identifiers: ClinVar variation 2635538 (VCV002635538.1), dbSNP rs2540460605, ClinGen allele CA376915042.